The following is an entry in ClinVar:

ClinVar aggregate classification (germline): Likely benign (1 of 4 stars; one submission).

Allele frequency attached by ClinVar (database versions not stated): 1000 Genomes Project 0.00200; 1000 Genomes Project 30x 0.00203; gnomAD 0.00392 and 0.00434; TOPMed 0.00503.
gnomAD v4.1: 649 of 152,340 alleles (0.43%); highest among the groups gnomAD compares: Middle Eastern, 1.4%; 3 homozygotes.

Submission:

CeGaT Center for Human Genetics Tuebingen
Classification: Likely benign. Last evaluated: 2026-10-01. Review status: criteria provided, single submitter. Criteria: CeGaT Center For Human Genetics Tuebingen Variant Classification Criteria Version 2. Collection method: clinical testing. Allele origin: germline. Affected: yes. Observed: 23 variant alleles.
Comment: FGFR1: BS1

NM_023110.3(FGFR1):c.-88-4584A>G

Gene: FGFR1 (fibroblast growth factor receptor 1; minus strand). Cytogenetic location: 8p11.23.
Variant type: single nucleotide variant.
Coding change: c.-88-4584A>G on transcript NM_023110.3 (MANE Select); 4584 bases into the intron before 88 bases upstream of the start codon, A replaced by G.
Molecular consequence: intron variant.
Genome position (GRCh38, 1-based): chr8:38,462,118, T>C on the plus strand (A>G on the coding strand, the complement: FGFR1 is on the minus strand). VCF-style: chr8-38462118-T-C. GRCh37 (hg19) VCF-style: chr8-38319636-T-C.
Other names: c.-88-4584A>G (NM_001354368.2, NM_001354370.2, NM_023106.3 and 7 more transcripts); c.-180-4584A>G (NM_001174064.2); c.-149-863A>G (NM_001174067.2).
Identifiers: ClinVar variation 1676101 (VCV001676101.33), dbSNP rs148065998, ClinGen allele CA175775026.